The following is an entry in ClinVar:

NM_000548.5(TSC2):c.3821C>T (p.Ser1274Phe)

Gene: TSC2 (TSC complex subunit 2; plus strand). Cytogenetic location: 16p13.3.
Variant type: single nucleotide variant.
Coding change: c.3821C>T on transcript NM_000548.5 (MANE Select); coding-DNA position 3821, C replaced by T.
Protein change: p.Ser1274Phe; replaces serine 1274 with phenylalanine.
Molecular consequence: missense variant. On other transcripts: non-coding transcript variant (1), intron variant (33).
Genome position (GRCh38, 1-based): chr16:2,082,442, C>T. VCF-style: chr16-2082442-C-T. GRCh37 (hg19) VCF-style: chr16-2132443-C-T.
Other names: c.3089C>T, p.Ser1030Phe (NM_001318831.2); c.3689C>T, p.Ser1230Phe (NM_001370404.1, NM_001406665.1); c.3692C>T, p.Ser1231Phe (NM_001370405.1, NM_021055.3); c.3818C>T, p.Ser1273Phe (NM_001406663.1); c.3221C>T, p.Ser1074Phe (NM_001406680.1); c.2348C>T, p.Ser783Phe (NM_001406690.1); c.2345C>T, p.Ser782Phe (NM_001406691.1); c.2341+644C>T (NM_001406693.1, NM_001406692.1, NM_001406694.1); and 25 more; short protein forms S1030F, S1230F, S1273F, S1274F, S782F, S1074F, S1231F, S783F.
Identifiers: ClinVar variation 3811278 (VCV003811278.1).

ClinVar aggregate classification (germline): Uncertain significance (1 of 4 stars; one submission).

Conditions:
Hereditary cancer-predisposing syndrome. Also called: Neoplastic Syndromes, Hereditary; Hereditary Cancer Syndrome; Tumor predisposition; Hereditary neoplastic syndrome. Identifiers: Orphanet 140162, MedGen C0027672, MeSH D009386, MONDO:0015356.

Submission:

Ambry Genetics
Classification: Uncertain significance for Hereditary cancer-predisposing syndrome. Last evaluated: 2024-12-31. Review status: criteria provided, single submitter. Criteria: Ambry Variant Classification Scheme 2023. Collection method: clinical testing. Allele origin: germline.
Comment: The p.S1274F variant (also known as c.3821C>T), located in coding exon 31 of the TSC2 gene, results from a C to T substitution at nucleotide position 3821. The serine at codon 1274 is replaced by phenylalanine, an amino acid with highly dissimilar properties. This amino acid position is well conserved in available vertebrate species. In addition, this alteration is predicted to be deleterious by in silico analysis. Based on the available evidence, the clinical significance of this variant remains unclear.